The following is an entry in ClinVar:

NM_014055.4(IFT81):c.709G>T (p.Val237Leu)

Gene: IFT81 (intraflagellar transport 81; plus strand). Cytogenetic location: 12q24.11.
Variant type: single nucleotide variant.
Coding change: c.709G>T on transcript NM_014055.4 (MANE Select); coding-DNA position 709, G replaced by T.
Protein change: p.Val237Leu; replaces valine 237 with leucine.
Molecular consequence: missense variant. On other transcripts: 5 prime UTR variant (2), non-coding transcript variant (4).
Genome position (GRCh38, 1-based): chr12:110,136,788, G>T. VCF-style: chr12-110136788-G-T. GRCh37 (hg19) VCF-style: chr12-110574593-G-T.
Other names: c.709G>T, p.Val237Leu (NM_001143779.2, NM_001347946.2, NM_031473.4); c.-58G>T (NM_001347947.2, NM_001347948.2); short protein forms V237L.
Identifiers: ClinVar variation 1010421 (VCV001010421.10), dbSNP rs551236440, ClinGen allele CA6783170.
Genomic context (GRCh38, chr12:110,136,788, plus strand): 5'-TAAGCTTCAGTAGACTAAGCAAGTAATCTATTTAATTGTATTTTAAAGCTATTTCATGCA[G>T]TGCAAAGATTGCAAAGAGTACAAAACCAGCTGAAAAGCATGCGCCAAGCTGCAGCAGATG-3'
Protein context (NP_054774.2, residues 227-247): QEQKNQLFHA[Val237Leu]QRLQRVQNQL

ClinVar aggregate classification (germline): Uncertain significance. Review status: criteria provided, multiple submitters, no conflicts (2 of 4 stars). 2 submissions from 2 submitters: Uncertain significance (2). Last evaluated 2022-08-23.

Allele frequency attached by ClinVar (database versions not stated): gnomAD exomes below 0.00001 and 0.00002; gnomAD 0.00001; ExAC 0.00002; 1000 Genomes Project 0.00020; 1000 Genomes Project 30x 0.00031.
gnomAD v4.1: 10 of 1,608,880 alleles (0.00062%); highest among the groups gnomAD compares: Middle Eastern, 0.033%; no homozygotes.

Submissions (2):

Labcorp Genetics (formerly Invitae), Labcorp
Classification: Uncertain significance. Last evaluated: 2022-08-23. Review status: criteria provided, single submitter. Criteria: Invitae Variant Classification Sherloc (09022015). Collection method: clinical testing. Allele origin: germline.
Comment: Algorithms developed to predict the effect of missense changes on protein structure and function (SIFT, PolyPhen-2, Align-GVGD) all suggest that this variant is likely to be tolerated. In summary, the available evidence is currently insufficient to determine the role of this variant in disease. Therefore, it has been classified as a Variant of Uncertain Significance. ClinVar contains an entry for this variant (Variation ID: 1010421). This variant has not been reported in the literature in individuals affected with IFT81-related conditions. This variant is present in population databases (rs551236440, gnomAD 0.01%). This sequence change replaces valine, which is neutral and non-polar, with leucine, which is neutral and non-polar, at codon 237 of the IFT81 protein (p.Val237Leu).

Blueprint Genetics
Classification: Uncertain significance. Last evaluated: 2021-11-02. Review status: criteria provided, single submitter. Criteria: ACMG Guidelines, 2015. Collection method: clinical testing. Allele origin: germline.